The following is an entry in ClinVar:

NM_018127.7(ELAC2):c.136C>T (p.Arg46Cys)

Gene: ELAC2 (elaC ribonuclease Z 2; minus strand). Cytogenetic location: 17p12.
Variant type: single nucleotide variant.
Coding change: c.136C>T on transcript NM_018127.7 (MANE Select); coding-DNA position 136, C replaced by T.
Protein change: p.Arg46Cys; replaces arginine 46 with cysteine.
Molecular consequence: missense variant.
Genome position (GRCh38, 1-based): chr17:13,017,812, G>A on the plus strand (C>T on the coding strand, the complement: ELAC2 is on the minus strand). VCF-style: chr17-13017812-G-A. GRCh37 (hg19) VCF-style: chr17-12921129-G-A.
Other names: c.136C>T, p.Arg46Cys (NM_001165962.2, NM_173717.2); short protein forms R46C.
Identifiers: ClinVar variation 1412060 (VCV001412060.3), dbSNP rs2041835898, ClinGen allele CA398219090.

ClinVar aggregate classification (germline): Uncertain significance (1 of 4 stars; one submission).

Conditions:
Combined oxidative phosphorylation defect type 17. Also called: Combined oxidative phosphorylation deficiency 17. Identifiers: Orphanet 369913, MedGen C3809526, MONDO:0014190, OMIM 615440.

Allele frequency attached by ClinVar (database versions not stated): gnomAD 0.00001.
gnomAD v4.1: 1 of 1,601,448 alleles (0.000062%); highest among the groups gnomAD compares: African/African-American, 0.0013%; no homozygotes.

Submission:

Labcorp Genetics (formerly Invitae), Labcorp
Classification: Uncertain significance for Combined oxidative phosphorylation defect type 17. Last evaluated: 2021-12-14. Review status: criteria provided, single submitter. Criteria: Invitae Variant Classification Sherloc (09022015). Collection method: clinical testing. Allele origin: germline.
Comment: This sequence change replaces arginine, which is basic and polar, with cysteine, which is neutral and slightly polar, at codon 46 of the ELAC2 protein (p.Arg46Cys). This variant is not present in population databases (gnomAD no frequency). This variant has not been reported in the literature in individuals affected with ELAC2-related conditions. Algorithms developed to predict the effect of missense changes on protein structure and function are either unavailable or do not agree on the potential impact of this missense change (SIFT: "Deleterious"; PolyPhen-2: "Benign"; Align-GVGD: "Class C0"). Algorithms developed to predict the effect of sequence changes on RNA splicing suggest that this variant may create or strengthen a splice site. In summary, the available evidence is currently insufficient to determine the role of this variant in disease. Therefore, it has been classified as a Variant of Uncertain Significance.